The following is an entry in ClinVar:

ClinVar aggregate classification (germline): Uncertain significance (1 of 4 stars; one submission).

gnomAD v4.1: 19 of 1,592,812 alleles (0.0012%); highest among the groups gnomAD compares: East Asian, 0.0023%; no homozygotes.

Submission:

Labcorp Genetics (formerly Invitae), Labcorp
Classification: Uncertain significance. Last evaluated: 2022-06-07. Review status: criteria provided, single submitter. Criteria: Invitae Variant Classification Sherloc (09022015). Collection method: clinical testing. Allele origin: germline.
Comment: This sequence change replaces arginine, which is basic and polar, with histidine, which is basic and polar, at codon 107 of the COL13A1 protein (p.Arg107His). The frequency data for this variant in the population databases is considered unreliable, as metrics indicate poor data quality at this position in the gnomAD database. In summary, the available evidence is currently insufficient to determine the role of this variant in disease. Therefore, it has been classified as a Variant of Uncertain Significance. Algorithms developed to predict the effect of missense changes on protein structure and function are either unavailable or do not agree on the potential impact of this missense change (SIFT: "Deleterious"; PolyPhen-2: "Probably Damaging"; Align-GVGD: "Class C0"). This variant has not been reported in the literature in individuals affected with COL13A1-related conditions.

NM_001368882.1(COL13A1):c.320G>A (p.Arg107His)

Gene: COL13A1 (collagen type XIII alpha 1 chain; plus strand). Cytogenetic location: 10q22.1.
Variant type: single nucleotide variant.
Coding change: c.320G>A on transcript NM_001368882.1 (MANE Select); coding-DNA position 320, G replaced by A.
Protein change: p.Arg107His; replaces arginine 107 with histidine.
Molecular consequence: missense variant. On other transcripts: 5 prime UTR variant (1).
Genome position (GRCh38, 1-based): chr10:69,822,394, G>A. VCF-style: chr10-69822394-G-A. GRCh37 (hg19) VCF-style: chr10-71582150-G-A.
Other names: c.320G>A, p.Arg107His (NM_001130103.2, NM_001320951.2, NM_001368883.1 and 11 more transcripts); c.-334G>A (NM_001368886.1); short protein forms R107H.
Identifiers: ClinVar variation 2185000 (VCV002185000.3), dbSNP rs755258283, ClinGen allele CA5534049.